The following is an entry in ClinVar:

NM_021930.6(RINT1):c.2197G>C (p.Ala733Pro)

Genes: EFCAB10 (EF-hand calcium binding domain 10; minus strand), RINT1 (RAD50 interactor 1; plus strand). Cytogenetic location: 7q22.3.
Variant type: single nucleotide variant.
Coding change: c.2197G>C on transcript NM_021930.6 (MANE Select); coding-DNA position 2197, G replaced by C.
Protein change: p.Ala733Pro; replaces alanine 733 with proline.
Molecular consequence: missense variant. On other transcripts: 3 prime UTR variant (2), non-coding transcript variant (1), intron variant (3).
Genome position (GRCh38, 1-based): chr7:105,567,129, G>C. VCF-style: chr7-105567129-G-C. GRCh37 (hg19) VCF-style: chr7-105207576-G-C.
Other names: c.*325C>G (NM_001355527.2, NM_001355529.2); c.1963G>C, p.Ala655Pro (NM_001346599.2); c.1174G>C, p.Ala392Pro (NM_001346600.2, NM_001346603.2); c.1273G>C, p.Ala425Pro (NM_001346601.2); c.360-1682C>G (NM_001355531.2); c.383+338C>G (NM_001355526.2, NM_001355530.2); short protein forms A425P, A655P, A392P, A733P.
Identifiers: ClinVar variation 4154601 (VCV004154601.1).
Genomic context (GRCh38, chr7:105,567,129, plus strand): 5'-TGATGCAGATAATGGAGATCTCATTTCCCTCCTTTGTTTTCCCTAAACAGTATAAAAGAA[G>C]CCTGTATTGTTTTGAATTTGAACGTCGGTTCTGCACTACTGCTGAAAGATGTACTGCAGT-3'
Protein context (NP_068749.3, residues 723-743): PENYFKHIKE[Ala733Pro]CIVLNLNVGS

ClinVar aggregate classification (germline): Uncertain significance (1 of 4 stars; one submission).

Submission:

Ambry Genetics
Classification: Uncertain significance. Last evaluated: 2025-06-23. Review status: criteria provided, single submitter. Criteria: Ambry Variant Classification Scheme 2023. Collection method: clinical testing. Allele origin: germline.
Comment: The p.A733P variant (also known as c.2197G>C), located in coding exon 15 of the RINT1 gene, results from a G to C substitution at nucleotide position 2197. The alanine at codon 733 is replaced by proline, an amino acid with highly similar properties. This amino acid position is conserved. In addition, the in silico prediction for this alteration is inconclusive. Based on the available evidence, the clinical significance of this variant remains unclear.